The following is an entry in ClinVar:

ClinVar aggregate classification (germline): Uncertain significance. Review status: criteria provided, multiple submitters, no conflicts (2 of 4 stars). 2 submissions from 2 submitters: Uncertain significance (2). Last evaluated 2026-02-02.

Submissions (2):

Women's Health and Genetics/Laboratory Corporation of America, LabCorp
Classification: Uncertain significance. Last evaluated: 2026-02-02. Review status: criteria provided, single submitter. Criteria: LabCorp Variant Classification Summary - May 2015. Collection method: clinical testing. Allele origin: germline.
Comment: Variant summary: LZTR1 c.2185T>G (p.Tyr729Asp) results in a non-conservative amino acid change in the encoded protein sequence. Algorithms developed to predict the effect of missense changes on protein structure and function are either unavailable or do not agree on the potential impact of this missense change. The variant was absent in 250698 control chromosomes. The available data on variant occurrences in the general population are insufficient to allow any conclusion about variant significance. To our knowledge, no occurrence of c.2185T>G in individuals affected with LZTR1-related conditions and no experimental evidence demonstrating its impact on protein function have been reported. ClinVar contains an entry for this variant (Variation ID: 4527013). Based on the evidence outlined above, the variant was classified as uncertain significance.

GeneDx
Classification: Uncertain significance. Last evaluated: 2025-04-28. Review status: criteria provided, single submitter. Criteria: GeneDx Variant Classification Process June 2021. Collection method: clinical testing. Allele origin: germline. Affected: yes.
Comment: Not observed at significant frequency in large population cohorts (gnomAD); In silico analysis supports that this missense variant has a deleterious effect on protein structure/function; Has not been previously published as pathogenic or benign to our knowledge

NM_006767.4(LZTR1):c.2185T>G (p.Tyr729Asp)

Gene: LZTR1 (leucine zipper like post translational regulator 1; plus strand). Cytogenetic location: 22q11.21.
Variant type: single nucleotide variant.
Coding change: c.2185T>G on transcript NM_006767.4 (MANE Select); coding-DNA position 2185, T replaced by G.
Protein change: p.Tyr729Asp; replaces tyrosine 729 with aspartic acid.
Molecular consequence: missense variant.
Genome position (GRCh38, 1-based): chr22:20,996,078, T>G. VCF-style: chr22-20996078-T-G. GRCh37 (hg19) VCF-style: chr22-21350367-T-G.
Other names: short protein forms Y729D.
Identifiers: ClinVar variation 4527013 (VCV004527013.2).